The following is an entry in ClinVar:

ClinVar aggregate classification (germline): Uncertain significance (1 of 4 stars; one submission).

Allele frequency attached by ClinVar (database versions not stated): gnomAD exomes 0.00002; TOPMed 0.00002; gnomAD 0.00003; ExAC 0.00006.
gnomAD v4.1: 29 of 1,609,640 alleles (0.0018%); highest among the groups gnomAD compares: Middle Eastern, 0.016%; no homozygotes.

Submission:

Labcorp Genetics (formerly Invitae), Labcorp
Classification: Uncertain significance. Last evaluated: 2021-12-20. Review status: criteria provided, single submitter. Criteria: Invitae Variant Classification Sherloc (09022015). Collection method: clinical testing. Allele origin: germline.
Comment: This sequence change replaces arginine, which is basic and polar, with histidine, which is basic and polar, at codon 703 of the ADAMTSL4 protein (p.Arg703His). This variant is present in population databases (rs201275872, gnomAD 0.007%). This variant has not been reported in the literature in individuals affected with ADAMTSL4-related conditions. Algorithms developed to predict the effect of missense changes on protein structure and function output the following: SIFT: "Tolerated"; PolyPhen-2: "Benign"; Align-GVGD: "Class C0". The histidine amino acid residue is found in multiple mammalian species, which suggests that this missense change does not adversely affect protein function. In summary, the available evidence is currently insufficient to determine the role of this variant in disease. Therefore, it has been classified as a Variant of Uncertain Significance.

NM_019032.6(ADAMTSL4):c.2108G>A (p.Arg703His)

Genes: ADAMTSL4 (ADAMTS like 4; plus strand), ADAMTSL4-AS2 (ADAMTSL4 antisense RNA 2; minus strand). Cytogenetic location: 1q21.2.
Variant type: single nucleotide variant.
Coding change: c.2108G>A on transcript NM_019032.6 (MANE Select); coding-DNA position 2108, G replaced by A.
Protein change: p.Arg703His; replaces arginine 703 with histidine.
Molecular consequence: missense variant.
Genome position (GRCh38, 1-based): chr1:150,557,554, G>A. VCF-style: chr1-150557554-G-A. GRCh37 (hg19) VCF-style: chr1-150530030-G-A.
Other names: c.1991G>A, p.Arg664His (NM_001288607.2); c.2177G>A, p.Arg726His (NM_001288608.2); c.2108G>A, p.Arg703His (NM_001378596.1, NM_025008.5); short protein forms R703H, R726H, R664H.
Identifiers: ClinVar variation 1948300 (VCV001948300.2), dbSNP rs201275872, ClinGen allele CA1078536.